The following is an entry in ClinVar:

ClinVar aggregate classification (germline): Uncertain significance. Review status: criteria provided, multiple submitters, no conflicts (2 of 4 stars). 2 submissions from 2 submitters: Uncertain significance (2). Last evaluated 2025-04-10.

Allele frequency attached by ClinVar (database versions not stated): gnomAD 0.00001; gnomAD exomes 0.00001; TOPMed 0.00001.
gnomAD v4.1: 9 of 1,551,786 alleles (0.00058%); highest among the groups gnomAD compares: Non-Finnish European, 0.0007%; no homozygotes.

Submissions (2):

Labcorp Genetics (formerly Invitae), Labcorp
Classification: Uncertain significance. Last evaluated: 2025-04-10. Review status: criteria provided, single submitter. Criteria: Invitae Variant Classification Sherloc (09022015). Collection method: clinical testing. Allele origin: germline.
Comment: This sequence change replaces leucine, which is neutral and non-polar, with methionine, which is neutral and non-polar, at codon 468 of the KPNA7 protein (p.Leu468Met). This variant is present in population databases (no rsID available, gnomAD 0.003%). This variant has not been reported in the literature in individuals affected with KPNA7-related conditions. ClinVar contains an entry for this variant (Variation ID: 949672). Invitae Evidence Modeling of protein sequence and biophysical properties (such as structural, functional, and spatial information, amino acid conservation, physicochemical variation, residue mobility, and thermodynamic stability) indicates that this missense variant is not expected to disrupt KPNA7 protein function with a negative predictive value of 80%. In summary, the available evidence is currently insufficient to determine the role of this variant in disease. Therefore, it has been classified as a Variant of Uncertain Significance.

Ambry Genetics
Classification: Uncertain significance. Last evaluated: 2023-04-28. Review status: criteria provided, single submitter. Criteria: Ambry Variant Classification Scheme 2023. Collection method: clinical testing. Allele origin: germline.

NM_001145715.3(KPNA7):c.1402C>A (p.Leu468Met)

Gene: KPNA7 (karyopherin subunit alpha 7; minus strand). Cytogenetic location: 7q22.1.
Variant type: single nucleotide variant.
Coding change: c.1402C>A on transcript NM_001145715.3 (MANE Select); coding-DNA position 1402, C replaced by A.
Protein change: p.Leu468Met; replaces leucine 468 with methionine.
Molecular consequence: missense variant.
Genome position (GRCh38, 1-based): chr7:99,177,982, G>T on the plus strand (C>A on the coding strand, the complement: KPNA7 is on the minus strand). VCF-style: chr7-99177982-G-T. GRCh37 (hg19) VCF-style: chr7-98775605-G-T.
Other names: short protein forms L468M.
Identifiers: ClinVar variation 949672 (VCV000949672.6), dbSNP rs1316145709, ClinGen allele CA368417153.